The following is an entry in ClinVar:

ClinVar aggregate classification (germline): Uncertain significance. Review status: criteria provided, multiple submitters, no conflicts (2 of 4 stars). 2 submissions from 2 submitters: Uncertain significance (2). Last evaluated 2025-03-31.

Conditions:
Inborn genetic diseases. Identifiers: MedGen C0950123, MeSH D030342.

Allele frequency attached by ClinVar (database versions not stated): gnomAD exomes below 0.00001 and 0.00001; ExAC 0.00001; gnomAD 0.00001 and 0.00002; TOPMed 0.00001.

Submissions (2):

Labcorp Genetics (formerly Invitae), Labcorp
Classification: Uncertain significance. Last evaluated: 2025-03-31. Review status: criteria provided, single submitter. Criteria: Invitae Variant Classification Sherloc (09022015). Collection method: clinical testing. Allele origin: germline.
Comment: This sequence change replaces alanine, which is neutral and non-polar, with serine, which is neutral and polar, at codon 1585 of the CACNA1F protein (p.Ala1585Ser). The frequency data for this variant in the population databases is considered unreliable, as metrics indicate poor data quality at this position in the gnomAD database. This variant has not been reported in the literature in individuals affected with CACNA1F-related conditions. ClinVar contains an entry for this variant (Variation ID: 1357485). Invitae Evidence Modeling of protein sequence and biophysical properties (such as structural, functional, and spatial information, amino acid conservation, physicochemical variation, residue mobility, and thermodynamic stability) indicates that this missense variant is expected to disrupt CACNA1F protein function with a positive predictive value of 80%. In summary, the available evidence is currently insufficient to determine the role of this variant in disease. Therefore, it has been classified as a Variant of Uncertain Significance.

Ambry Genetics
Classification: Uncertain significance for Inborn genetic diseases. Last evaluated: 2024-10-04. Review status: criteria provided, single submitter. Criteria: Ambry Variant Classification Scheme 2023. Collection method: clinical testing. Allele origin: germline.

NM_001256789.3(CACNA1F):c.4720G>T (p.Ala1574Ser)

Genes: CACNA1F (calcium voltage-gated channel subunit alpha1 F; minus strand), LOC126863257 (BRD4-independent group 4 enhancer GRCh37_chrX:49065732-49066931; plus strand). Cytogenetic location: Xp11.23.
Variant type: single nucleotide variant.
Coding change: c.4720G>T on transcript NM_001256789.3 (MANE Select); coding-DNA position 4720, G replaced by T.
Protein change: p.Ala1574Ser; replaces alanine 1574 with serine.
Molecular consequence: missense variant.
Genome position (GRCh38, 1-based): chrX:49,209,730, C>A on the plus strand (G>T on the coding strand, the complement: CACNA1F is on the minus strand). VCF-style: chrX-49209730-C-A. GRCh37 (hg19) VCF-style: chrX-49066190-C-A.
Other names: c.4558G>T, p.Ala1520Ser (NM_001256790.3); c.4753G>T, p.Ala1585Ser (NM_005183.4); c.4753G>T (NM_005183.2); short protein forms A1520S, A1585S, A1574S.
Identifiers: ClinVar variation 1357485 (VCV001357485.7), dbSNP rs781851646, ClinGen allele CA10410133.
Genomic context (GRCh38, chrX:49,209,730, plus strand): 5'-GTAGCCCTTTTTCTTTCCTCCGCCGGAATTTGCGGAAATAGTCCTGGATCAGAAATGTGG[C>A]GTAGAATTTGCCCACGGTGACCTCCTCCTCTAGGGGCAAGGGAGAGAAGGCAAGATCACA-3'
Protein context (NP_001243718.1, residues 1564-1584): EEEVTVGKFY[Ala1574Ser]TFLIQDYFRK